The following is an entry in ClinVar:

NM_000048.4(ASL):c.291+4C>T

Gene: ASL (argininosuccinate lyase; plus strand). Cytogenetic location: 7q11.21.
Variant type: single nucleotide variant.
Coding change: c.291+4C>T on transcript NM_000048.4 (MANE Select); 4 bases into the intron after coding-DNA position 291, C replaced by T.
Molecular consequence: intron variant.
Genome position (GRCh38, 1-based): chr7:66,082,455, C>T. VCF-style: chr7-66082455-C-T. GRCh37 (hg19) VCF-style: chr7-65547442-C-T.
Other names: c.291+4C>T (NM_001024943.2, NM_001024944.2, NM_001024946.2 and 1 more transcripts).
Identifiers: ClinVar variation 1501497 (VCV001501497.6), dbSNP rs368188924, ClinGen allele CA4276868.

ClinVar aggregate classification (germline): Uncertain significance. Review status: criteria provided, multiple submitters, no conflicts (2 of 4 stars). 3 submissions from 3 submitters: Uncertain significance (3). Last evaluated 2025-12-04.

Conditions:
Argininosuccinate lyase deficiency. Also called: Argininosuccinic aciduria; ARGININOSUCCINIC ACID LYASE DEFICIENCY; ASL DEFICIENCY. Identifiers: Orphanet 23, MedGen C0268547, MONDO:0008815, OMIM 207900, HP:0025630.
Inborn genetic diseases. Identifiers: MedGen C0950123, MeSH D030342.

Allele frequency attached by ClinVar (database versions not stated): gnomAD exomes 0.00003 and 0.00007; ExAC 0.00012; ESP Exome Variant Server 0.00015; TOPMed 0.00036; 1000 Genomes Project 0.00040; gnomAD 0.00043 and 0.00046; 1000 Genomes Project 30x 0.00047.

Submissions (3):

Ambry Genetics
Classification: Uncertain significance for Inborn genetic diseases. Last evaluated: 2025-12-04. Review status: criteria provided, single submitter. Criteria: Ambry Variant Classification Scheme 2023. Collection method: clinical testing. Allele origin: germline.
Comment: The c.291+4C>T intronic alteration consists of a C to T substitution 4 nucleotides after exon 4 (coding exon 3) of the ASL gene. Based on data from gnomAD, the T allele has an overall frequency of 0.013% (34/271442) total alleles studied. The highest observed frequency was 0.134% (32/23968) of African alleles. Based on insufficient or conflicting evidence, the clinical significance of this alteration remains unclear.

Women's Health and Genetics/Laboratory Corporation of America, LabCorp
Classification: Uncertain significance. Last evaluated: 2024-09-03. Review status: criteria provided, single submitter. Criteria: LabCorp Variant Classification Summary - May 2015. Collection method: clinical testing. Allele origin: germline.

Labcorp Genetics (formerly Invitae), Labcorp
Classification: Uncertain significance for Argininosuccinate lyase deficiency. Last evaluated: 2022-07-13. Review status: criteria provided, single submitter. Criteria: Invitae Variant Classification Sherloc (09022015). Collection method: clinical testing. Allele origin: germline.
Comment: This sequence change falls in intron 4 of the ASL gene. It does not directly change the encoded amino acid sequence of the ASL protein. It affects a nucleotide within the consensus splice site. This variant is present in population databases (rs368188924, gnomAD 0.1%). This variant has not been reported in the literature in individuals affected with ASL-related conditions. ClinVar contains an entry for this variant (Variation ID: 1501497). Variants that disrupt the consensus splice site are a relatively common cause of aberrant splicing (PMID: 17576681, 9536098). Algorithms developed to predict the effect of sequence changes on RNA splicing suggest that this variant is not likely to affect RNA splicing. In summary, the available evidence is currently insufficient to determine the role of this variant in disease. Therefore, it has been classified as a Variant of Uncertain Significance.

Literature cited by the submitters: PubMed 17576681 (cited by Labcorp Genetics (formerly Invitae), Labcorp); PubMed 9536098 (cited by Labcorp Genetics (formerly Invitae), Labcorp).